The following is an entry in ClinVar:

NM_001042492.3(NF1):c.3520_3530del (p.Gln1174fs)

Gene: NF1 (neurofibromin 1; plus strand). Cytogenetic location: 17q11.2.
Variant type: Deletion.
Coding change: c.3520_3530del on transcript NM_001042492.3 (MANE Select); coding-DNA positions 3520 to 3530, 11 bases deleted (CAGACAAGAGC).
Protein change: p.Gln1174fs; shifts the reading frame from glutamine 1174.
Molecular consequence: frameshift variant.
Genome position (GRCh38, 1-based): chr17:31,233,025-31,233,035, CAGACAAGAGC deleted; deleting any 11 consecutive bases within chr17:31,233,024-31,233,035 gives the same sequence; the c. name uses the placement nearest the transcript's 3' end. VCF-style (leftmost placement, unchanged base first): chr17-31233023-TCCAGACAAGAG-T. GRCh37 (hg19) VCF-style: chr17-29560041-TCCAGACAAGAG-T.
Other names: c.3520_3530del, p.Gln1174fs (NM_000267.4); short protein forms Q1174fs.
Identifiers: ClinVar variation 4718638 (VCV004718638.1).

ClinVar aggregate classification (germline): Pathogenic (1 of 4 stars; one submission).

Conditions:
Neurofibromatosis, type 1 (NF1). Also called: NEUROFIBROMATOSIS, TYPE I, SOMATIC; VON RECKLINGHAUSEN DISEASE; Peripheral type neurofibromatosis; Neurofibromatosis, type I. Identifiers: Orphanet 636, MedGen C0027831, MONDO:0018975, OMIM 162200. Disease mechanism: loss of function.

Submission:

Labcorp Genetics (formerly Invitae), Labcorp
Classification: Pathogenic for Neurofibromatosis, type 1. Last evaluated: 2025-04-30. Review status: criteria provided, single submitter. Criteria: Invitae Variant Classification Sherloc (09022015). Collection method: clinical testing. Allele origin: germline.
Comment: This sequence change creates a premature translational stop signal (p.Gln1174Tyrfs*17) in the NF1 gene. It is expected to result in an absent or disrupted protein product. Loss-of-function variants in NF1 are known to be pathogenic (PMID: 10712197, 23913538). This variant is not present in population databases (gnomAD no frequency). This variant has not been reported in the literature in individuals affected with NF1-related conditions. For these reasons, this variant has been classified as Pathogenic.

Literature cited by the submitters: PubMed 10712197; PubMed 23913538.